The following is an entry in ClinVar:

NM_001044.5(SLC6A3):c.707C>T (p.Pro236Leu)

Gene: SLC6A3 (solute carrier family 6 member 3). Cytogenetic location: 5p15.33.
Variant type: single nucleotide variant.
Coding change: c.707C>T on transcript NM_001044.5 (MANE Select); coding-DNA position 707, C replaced by T.
Protein change: p.Pro236Leu; replaces proline 236 with leucine.
Molecular consequence: missense variant.
Genome position (GRCh38, 1-based): chr5:1,421,961, G>A on the plus strand (C>T on the coding strand, the complement: SLC6A3 is on the minus strand). VCF-style: chr5-1421961-G-A. GRCh37 (hg19) VCF-style: chr5-1422076-G-A.
Other names: c.707C>T (NM_001044.4); short protein forms P236L.
Identifiers: ClinVar variation 1356518 (VCV001356518.9), dbSNP rs760467074, ClinGen allele CA3186286.

ClinVar aggregate classification (germline): Uncertain significance. Review status: criteria provided, multiple submitters, no conflicts (2 of 4 stars). 2 submissions from 2 submitters: Uncertain significance (2). Last evaluated 2024-12-11.

Conditions:
Parkinsonism-dystonia, infantile. Identifiers: Orphanet 238455, MedGen C2751067, MONDO:0013150.

Allele frequency attached by ClinVar (database versions not stated): gnomAD 0.00001; gnomAD exomes 0.00001; ExAC 0.00002; TOPMed 0.00004.
gnomAD v4.1: 20 of 1,613,000 alleles (0.0012%); highest among the groups gnomAD compares: East Asian, 0.0045%; no homozygotes.

Submissions (2):

GeneDx
Classification: Uncertain significance. Last evaluated: 2024-12-11. Review status: criteria provided, single submitter. Criteria: GeneDx Variant Classification Process June 2021. Collection method: clinical testing. Allele origin: germline. Affected: yes.
Comment: Not observed at significant frequency in large population cohorts (gnomAD); In silico analysis supports that this missense variant has a deleterious effect on protein structure/function; Has not been previously published as pathogenic or benign to our knowledge

Labcorp Genetics (formerly Invitae), Labcorp
Classification: Uncertain significance for Parkinsonism-dystonia, infantile. Last evaluated: 2021-04-09. Review status: criteria provided, single submitter. Criteria: Invitae Variant Classification Sherloc (09022015). Collection method: clinical testing. Allele origin: germline.
Comment: This sequence change replaces proline with leucine at codon 236 of the SLC6A3 protein (p.Pro236Leu). The proline residue is highly conserved and there is a moderate physicochemical difference between proline and leucine. This variant is present in population databases (rs760467074, ExAC 0.01%). This variant has not been reported in the literature in individuals with SLC6A3-related conditions. Algorithms developed to predict the effect of missense changes on protein structure and function (SIFT, PolyPhen-2, Align-GVGD) all suggest that this variant is likely to be tolerated, but these predictions have not been confirmed by published functional studies and their clinical significance is uncertain. In summary, the available evidence is currently insufficient to determine the role of this variant in disease. Therefore, it has been classified as a Variant of Uncertain Significance.